The following is an entry in ClinVar:

ClinVar aggregate classification (germline): Uncertain significance. Review status: criteria provided, multiple submitters, no conflicts (2 of 4 stars). 2 submissions from 2 submitters: Uncertain significance (2). Last evaluated 2025-12-29.

Conditions:
Inborn genetic diseases. Identifiers: MedGen C0950123, MeSH D030342.

Allele frequency attached by ClinVar (database versions not stated): gnomAD 0.00001; ExAC 0.00002; gnomAD exomes 0.00002; TOPMed 0.00003; ESP Exome Variant Server 0.00008.
gnomAD v4.1: 34 of 1,613,366 alleles (0.0021%); highest among the groups gnomAD compares: Non-Finnish European, 0.0026%; no homozygotes.

Submissions (2):

Labcorp Genetics (formerly Invitae), Labcorp
Classification: Uncertain significance. Last evaluated: 2025-12-29. Review status: criteria provided, single submitter. Criteria: Invitae Variant Classification Sherloc (09022015). Collection method: clinical testing. Allele origin: germline.
Comment: This sequence change replaces glutamic acid, which is acidic and polar, with aspartic acid, which is acidic and polar, at codon 825 of the AP3D1 protein (p.Glu825Asp). This variant is present in population databases (rs374075633, gnomAD 0.004%). This variant has not been reported in the literature in individuals affected with AP3D1-related conditions. ClinVar contains an entry for this variant (Variation ID: 1352130). An algorithm developed to predict the effect of missense changes on protein structure and function outputs the following: PolyPhen-2: "Benign". The aspartic acid amino acid residue is found in multiple mammalian species, which suggests that this missense change does not adversely affect protein function. In summary, the available evidence is currently insufficient to determine the role of this variant in disease. Therefore, it has been classified as a Variant of Uncertain Significance.

Ambry Genetics
Classification: Uncertain significance for Inborn genetic diseases. Last evaluated: 2022-06-14. Review status: criteria provided, single submitter. Criteria: Ambry Variant Classification Scheme 2023. Collection method: clinical testing. Allele origin: germline.

NM_001261826.3(AP3D1):c.2475G>C (p.Glu825Asp)

Gene: AP3D1 (adaptor related protein complex 3 subunit delta 1; minus strand). Cytogenetic location: 19p13.3.
Variant type: single nucleotide variant.
Coding change: c.2475G>C on transcript NM_001261826.3 (MANE Select); coding-DNA position 2475, G replaced by C.
Protein change: p.Glu825Asp; replaces glutamic acid 825 with aspartic acid.
Molecular consequence: missense variant.
Genome position (GRCh38, 1-based): chr19:2,114,251, C>G on the plus strand (G>C on the coding strand, the complement: AP3D1 is on the minus strand). VCF-style: chr19-2114251-C-G. GRCh37 (hg19) VCF-style: chr19-2114250-C-G.
Other names: c.2475G>C (NM_003938.5); c.2475G>C, p.Glu825Asp (NM_001374799.1, NM_003938.8); short protein forms E825D.
Identifiers: ClinVar variation 1352130 (VCV001352130.9), dbSNP rs374075633, ClinGen allele CA9058841.
Genomic context (GRCh38, chr19:2,114,251, plus strand): 5'-CTTGGGTTTCTTGCTCTTCTTTTCTACCATGGGAACGTCCTTCTCAGGGGATTTTGAGGT[C>G]TCGGTGTTTCTGTGTTTCTGAATAGGCAGTTTCTCGCTGTCGGCTAAGGGCCTGGAGGAG-3'
Protein context (NP_001248755.1, residues 815-835): KLPIQKHRNT[Glu825Asp]TSKSPEKDVP